The following is an entry in ClinVar:

ClinVar aggregate classification (germline): Likely benign. Review status: criteria provided, multiple submitters, no conflicts (2 of 4 stars). 4 submissions from 4 submitters: Likely benign (3). 1 of the submissions does not count toward it. Last evaluated 2026-01-26.

Conditions:
TTN-related disorder. Also called: TTN-related condition; TTN-related disease; TTN-related disorders.
Dilated cardiomyopathy 1G (CMD1G). Identifiers: Orphanet 154, MedGen C1858763, MONDO:0011400, OMIM 604145.
Autosomal recessive limb-girdle muscular dystrophy type 2J (LGMDR10). Also called: Limb-girdle muscular dystrophy, type 2J; MUSCULAR DYSTROPHY, LIMB-GIRDLE, AUTOSOMAL RECESSIVE 10. Identifiers: Orphanet 140922, MedGen C1837342, MONDO:0012127, OMIM 608807.
Cardiovascular phenotype. Identifiers: MedGen CN230736.

Allele frequency attached by ClinVar (database versions not stated): gnomAD 0.00001; gnomAD exomes 0.00002; ExAC 0.00007; 1000 Genomes Project 30x 0.00016; 1000 Genomes Project 0.00020.
gnomAD v4.1: 40 of 1,613,224 alleles (0.0025%); highest among the groups gnomAD compares: South Asian, 0.027%; no homozygotes.

Submissions (4):

Labcorp Genetics (formerly Invitae), Labcorp
Classification: Likely benign for Dilated cardiomyopathy 1G; Autosomal recessive limb-girdle muscular dystrophy type 2J. Last evaluated: 2026-01-26. Review status: criteria provided, single submitter. Criteria: Invitae Variant Classification Sherloc (09022015). Collection method: clinical testing. Allele origin: germline.

CeGaT Center for Human Genetics Tuebingen
Classification: Likely benign. Last evaluated: 2025-11-01. Review status: criteria provided, single submitter. Criteria: CeGaT Center For Human Genetics Tuebingen Variant Classification Criteria Version 2. Collection method: clinical testing. Allele origin: germline. Affected: yes. Observed: 1 variant allele.
Comment: TTN: BP4, BP7

Ambry Genetics
Classification: Likely benign for Cardiovascular phenotype. Last evaluated: 2023-01-29. Review status: criteria provided, single submitter. Criteria: Ambry Variant Classification Scheme 2023. Collection method: clinical testing. Allele origin: germline.

PreventionGenetics, part of Exact Sciences
Classification: Likely benign for TTN-related condition. Last evaluated: 2024-07-29. Review status: no assertion criteria provided. Collection method: clinical testing. Allele origin: germline. Not counted in ClinVar's aggregate classification.
Comment: This variant is classified as likely benign based on ACMG/AMP sequence variant interpretation guidelines (Richards et al. 2015 PMID: 25741868, with internal and published modifications).

NM_001267550.2(TTN):c.41919C>T (p.Asp13973=)

Gene: TTN (titin; minus strand). Cytogenetic location: 2q31.2.
Variant type: single nucleotide variant.
Coding change: c.41919C>T on transcript NM_001267550.2 (MANE Select); coding-DNA position 41919, C replaced by T.
Protein change: p.Asp13973=; no amino-acid change (aspartic acid 13973 retained).
Molecular consequence: synonymous variant.
Genome position (GRCh38, 1-based): chr2:178,635,270, G>A on the plus strand (C>T on the coding strand, the complement: TTN is on the minus strand). VCF-style: chr2-178635270-G-A. GRCh37 (hg19) VCF-style: chr2-179499997-G-A.
Other names: c.36996C>T, p.Asp12332= (NM_001256850.1); c.14724C>T, p.Asp4908= (NM_003319.4); c.34215C>T, p.Asp11405= (NM_133378.4); c.15099C>T, p.Asp5033= (NM_133432.3); c.15300C>T, p.Asp5100= (NM_133437.4).
Identifiers: ClinVar variation 1979764 (VCV001979764.13), dbSNP rs554430437, ClinGen allele CA1996182.